The following is an entry in ClinVar:

NM_000751.3(CHRND):c.351C>A (p.Asn117Lys)

Gene: CHRND (cholinergic receptor nicotinic delta subunit; plus strand). Cytogenetic location: 2q37.1.
Variant type: single nucleotide variant.
Coding change: c.351C>A on transcript NM_000751.3 (MANE Select); coding-DNA position 351, C replaced by A.
Protein change: p.Asn117Lys; replaces asparagine 117 with lysine.
Molecular consequence: missense variant. On other transcripts: intron variant (1).
Genome position (GRCh38, 1-based): chr2:232,528,369, C>A. VCF-style: chr2-232528369-C-A. GRCh37 (hg19) VCF-style: chr2-233393079-C-A.
Other names: c.306C>A, p.Asn102Lys (NM_001256657.2); c.80C>A, p.Thr27Lys (NM_001311195.2); c.50+30C>A (NM_001311196.2); short protein forms N102K, N117K, T27K.
Identifiers: ClinVar variation 3708312 (VCV003708312.2).
Genomic context (GRCh38, chr2:232,528,369, plus strand): 5'-CATCAGTGTCCTGCGCCTCCCCCCGGACATGGTGTGGCTCCCAGAGATTGTGCTGGAGAA[C>A]AAGTTGAGCCAAGCCCTCCCTGACCTCCCCTCTGTCACCCTGCCTCCTTTCCTTAAGCCT-3'
Protein context (NP_000742.1, residues 107-127): MVWLPEIVLE[Asn117Lys]NNDGSFQISY

ClinVar aggregate classification (germline): Uncertain significance (1 of 4 stars; one submission).

Conditions:
Lethal multiple pterygium syndrome (LMPS). Identifiers: Orphanet 33108, MedGen C1854678, MONDO:0009668, OMIM 253290.

gnomAD v4.1: 5 of 1,614,096 alleles (0.00031%); highest among the groups gnomAD compares: Non-Finnish European, 0.00042%; no homozygotes.

Submission:

Labcorp Genetics (formerly Invitae), Labcorp
Classification: Uncertain significance for Lethal multiple pterygium syndrome. Last evaluated: 2025-12-10. Review status: criteria provided, single submitter. Criteria: Invitae Variant Classification Sherloc (09022015). Collection method: clinical testing. Allele origin: germline.
Comment: This sequence change replaces asparagine, which is neutral and polar, with lysine, which is basic and polar, at codon 117 of the CHRND protein (p.Asn117Lys). This variant is not present in population databases (gnomAD no frequency). This variant has not been reported in the literature in individuals affected with CHRND-related conditions. ClinVar contains an entry for this variant (Variation ID: 3708312). Invitae Evidence Modeling of protein sequence and biophysical properties (such as structural, functional, and spatial information, amino acid conservation, physicochemical variation, residue mobility, and thermodynamic stability) indicates that this missense variant is expected to disrupt CHRND protein function with a positive predictive value of 95%. In summary, the available evidence is currently insufficient to determine the role of this variant in disease. Therefore, it has been classified as a Variant of Uncertain Significance.